The following is an entry in ClinVar:

ClinVar aggregate classification (germline): Pathogenic (1 of 4 stars; one submission).

Conditions:
Hypertrophic cardiomyopathy. Also called: HYPERTROPHIC MYOCARDIOPATHY. Identifiers: Orphanet 217569, MedGen C0007194, MeSH D002312, MONDO:0005045, HP:0001639.

Submission:

Labcorp Genetics (formerly Invitae), Labcorp
Classification: Pathogenic for Hypertrophic cardiomyopathy. Last evaluated: 2022-11-06. Review status: criteria provided, single submitter. Criteria: Invitae Variant Classification Sherloc (09022015). Collection method: clinical testing. Allele origin: germline.
Comment: For these reasons, this variant has been classified as Pathogenic. ClinVar contains an entry for this variant (Variation ID: 1074065). This variant has not been reported in the literature in individuals affected with MYBPC3-related conditions. This variant is not present in population databases (gnomAD no frequency). This sequence change creates a premature translational stop signal (p.Ala107Profs*52) in the MYBPC3 gene. It is expected to result in an absent or disrupted protein product. Loss-of-function variants in MYBPC3 are known to be pathogenic (PMID: 19574547).

Literature cited by the submitters: PubMed 19574547.

NM_000256.3(MYBPC3):c.318del (p.Ala107fs)

Gene: MYBPC3 (myosin binding protein C3; minus strand). Cytogenetic location: 11p11.2.
Variant type: Deletion.
Coding change: c.318del on transcript NM_000256.3 (MANE Select); coding-DNA position 318, one base deleted (T; older notation c.318delT).
Protein change: p.Ala107fs; shifts the reading frame from alanine 107.
Molecular consequence: frameshift variant.
Genome position (GRCh38, 1-based): chr11:47,350,590, A deleted on the plus strand (T on the coding strand, the reverse complement: MYBPC3 is on the minus strand). VCF-style (leftmost placement, unchanged base first): chr11-47350589-CA-C. GRCh37 (hg19) VCF-style: chr11-47372140-CA-C.
Other names: short protein forms A107fs.
Identifiers: ClinVar variation 1074065 (VCV001074065.7), dbSNP rs2142868794, ClinGen allele CA2499220993.